The following is an entry in ClinVar:

NM_004259.7(RECQL5):c.2875G>A (p.Val959Met)

Gene: RECQL5 (RecQ like helicase 5; minus strand). Cytogenetic location: 17q25.1.
Variant type: single nucleotide variant.
Coding change: c.2875G>A on transcript NM_004259.7 (MANE Select); coding-DNA position 2875, G replaced by A.
Protein change: p.Val959Met; replaces valine 959 with methionine.
Molecular consequence: missense variant.
Genome position (GRCh38, 1-based): chr17:75,627,623, C>T on the plus strand (G>A on the coding strand, the complement: RECQL5 is on the minus strand). VCF-style: chr17-75627623-C-T. GRCh37 (hg19) VCF-style: chr17-73623703-C-T.
Other names: NC_000017.10:g.73623703C>T; c.2875G>A (NM_004259.6); short protein forms V959M.
Identifiers: ClinVar variation 4427179 (VCV004427179.2).
Genomic context (GRCh38, chr17:75,627,623, plus strand): 5'-CCTCCTCCCTGTAGACCACCCTCCCAAGTGCCTCCTGGCCCTGGCAATGCCAGCGCTCAC[C>T]GCTCCTTCCAGGAGAGGTCTTCTGAGTCAGCAAGTGTGAGAGGTGGCGGGCAAAGCCTTT-3'
Protein context (NP_004250.4, residues 949-969): LTQKTSPGRS[Val959Met]KEEAQNLIRH

ClinVar aggregate classification (germline): Uncertain significance (1 of 4 stars; one submission).

Conditions:
RECQL5-related disorder. Also called: RECQL5-related condition.

gnomAD v4.1: 171 of 1,613,126 alleles (0.011%); highest among the groups gnomAD compares: African/African-American, 0.069%; no homozygotes.

Submissions (3):

PreventionGenetics, part of Exact Sciences
Classification: Uncertain significance for RECQL5-related condition. Last evaluated: 2025-04-25. Review status: criteria provided, single submitter. Criteria: ACMG Guidelines, 2015. Collection method: clinical testing. Allele origin: germline.
Comment: The RECQL5 c.2875G>A variant is predicted to result in the amino acid substitution p.Val959Met. To our knowledge, this variant has not been reported in the literature. This variant is reported in 0.080% of alleles in individuals of African descent in gnomAD. At the time of reporting, this variant is absent from the ClinVar database. At this time, the clinical significance of this variant is uncertain due to the absence of conclusive functional and genetic evidence.

Dr. Peter K. Rogan Lab, Western University
No classification provided (evidence only). Condition: Thyroid cancer, nonmedullary, 1. Review status: no classification provided. Collection method: in vitro. Allele origin: not applicable. Functional consequence: skipped exon. Not counted in ClinVar's aggregate classification.

Dr. Peter K. Rogan Lab, Western University
No classification provided (evidence only). Condition: Ovarian serous cystadenocarcinoma. Review status: no classification provided. Collection method: in vitro. Allele origin: not applicable. Functional consequence: retained intron. Not counted in ClinVar's aggregate classification.